The following is an entry in ClinVar:

NM_001848.3(COL6A1):c.1674+1G>A

Gene: COL6A1 (collagen type VI alpha 1 chain; plus strand). Cytogenetic location: 21q22.3.
Variant type: single nucleotide variant.
Coding change: c.1674+1G>A on transcript NM_001848.3 (MANE Select); the canonical splice donor site of the intron after coding-DNA position 1674, G replaced by A.
Molecular consequence: splice donor variant.
Genome position (GRCh38, 1-based): chr21:45,998,960, G>A. VCF-style: chr21-45998960-G-A. GRCh37 (hg19) VCF-style: chr21-47418874-G-A.
Identifiers: ClinVar variation 1472308 (VCV001472308.6), dbSNP rs2123484131, ClinGen allele CA410530664.

ClinVar aggregate classification (germline): Likely pathogenic (1 of 4 stars; one submission).

Conditions:
Bethlem myopathy 1A. Also called: Bethlem myopathy 1; Bethlem Muscular Dystrophy; MYOPATHY, BENIGN CONGENITAL, WITH CONTRACTURES. Identifiers: Orphanet 610, MedGen CN029274, MONDO:0024530, OMIM 158810.

Submission:

Labcorp Genetics (formerly Invitae), Labcorp
Classification: Likely pathogenic for Bethlem myopathy 1A. Last evaluated: 2025-02-17. Review status: criteria provided, single submitter. Criteria: Invitae Variant Classification Sherloc (09022015). Collection method: clinical testing. Allele origin: germline.
Comment: This sequence change affects a donor splice site in intron 25 of the COL6A1 gene. It is expected to disrupt RNA splicing. Variants that disrupt the donor or acceptor splice site typically lead to a loss of protein function (PMID: 16199547), and loss-of-function variants in COL6A1 are known to be disease-causing for autosomal recessive COL6A1-related conditions (PMID: 21280092, 20976770). However, certain variants affecting donor or acceptor splice sites in the triple helical domain of COL6A1 are expected to result in in-frame exon skipping and have been reported to cause autosomal dominant COL6A1-related conditions (PMID: 18366090). This variant is not present in population databases (gnomAD no frequency). Disruption of this splice site has been observed in individual(s) with clinical features of Type VI/skeletal muscle collagenopathy (internal data). ClinVar contains an entry for this variant (Variation ID: 1472308). Algorithms developed to predict the effect of sequence changes on RNA splicing suggest that this variant may disrupt the consensus splice site. In summary, the currently available evidence indicates that the variant is pathogenic, but additional data are needed to prove that conclusively. Therefore, this variant has been classified as Likely Pathogenic.

Literature cited by the submitters: PubMed 16199547; PubMed 21280092; PubMed 20976770; PubMed 18366090.